The following is an entry in ClinVar:

NM_001267550.2(TTN):c.39817+1G>C

Gene: TTN (titin; minus strand). Cytogenetic location: 2q31.2.
Variant type: single nucleotide variant.
Coding change: c.39817+1G>C on transcript NM_001267550.2 (MANE Select); the canonical splice donor site of the intron after coding-DNA position 39817, G replaced by C.
Molecular consequence: splice donor variant. On other transcripts: intron variant (3).
Genome position (GRCh38, 1-based): chr2:178,650,163, C>G on the plus strand (G>C on the coding strand, the complement: TTN is on the minus strand). VCF-style: chr2-178650163-C-G. GRCh37 (hg19) VCF-style: chr2-179514890-C-G.
Other names: c.13283-7846G>C (NM_003319.4); c.13859-7846G>C (NM_133437.4); c.13658-7846G>C (NM_133432.3); c.32515+1G>C (NM_133378.4); c.35296+1G>C (NM_001256850.1); c.39817+1G>C (NM_001267550.1).
Identifiers: ClinVar variation 1400492 (VCV001400492.9), dbSNP rs959064823, ClinGen allele CA349449059.
Genomic context (GRCh38, chr2:178,650,163, plus strand): 5'-ATATATAGACATGAAAAATGAAATGACTGTATTTTCCCATACAGTGGATTCTGCTTTGTA[C>G]CTGCTGGAGGTGGAACCTCTGGTTCCTCCTCTTCTGCAACAGGAACTGGCTTTTCCTCTT-3'

ClinVar aggregate classification (germline): Conflicting classifications of pathogenicity. Review status: criteria provided, conflicting classifications (1 of 4 stars). 3 submissions from 3 submitters: Likely pathogenic (1); Uncertain significance (2). Last evaluated 2024-10-28.

Conditions:
Dilated cardiomyopathy 1G (CMD1G). Identifiers: Orphanet 154, MedGen C1858763, MONDO:0011400, OMIM 604145.
Autosomal recessive limb-girdle muscular dystrophy type 2J (LGMDR10). Also called: Limb-girdle muscular dystrophy, type 2J; MUSCULAR DYSTROPHY, LIMB-GIRDLE, AUTOSOMAL RECESSIVE 10. Identifiers: Orphanet 140922, MedGen C1837342, MONDO:0012127, OMIM 608807.
Hypertrophic cardiomyopathy 9. Also called: Familial hypertrophic cardiomyopathy 9. Identifiers: MedGen C1861065, MONDO:0013412, OMIM 613765.

Allele frequency attached by ClinVar (database versions not stated): gnomAD exomes below 0.00001.
gnomAD v4.1: 6 of 1,573,876 alleles (0.00038%); highest among the groups gnomAD compares: Non-Finnish European, 0.00052%; no homozygotes.

Submissions (3):

Labcorp Genetics (formerly Invitae), Labcorp
Classification: Likely pathogenic for Dilated cardiomyopathy 1G; Autosomal recessive limb-girdle muscular dystrophy type 2J. Last evaluated: 2024-10-28. Review status: criteria provided, single submitter. Criteria: Invitae Variant Classification Sherloc (09022015). Collection method: clinical testing. Allele origin: germline.
Comment: This sequence change affects a donor splice site in intron 210 of the TTN gene. It is expected to disrupt RNA splicing and likely results in a truncated or disrupted TTN protein. This variant is not present in population databases (gnomAD no frequency). This variant has not been reported in the literature in individuals affected with TTN-related conditions. ClinVar contains an entry for this variant (Variation ID: 1400492). Algorithms developed to predict the effect of sequence changes on RNA splicing suggest that this variant may disrupt the consensus splice site. This variant is located in the I band of TTN (PMID: 25589632). Truncating variants in this region have been reported in individuals affected with autosomal recessive centronuclear myopathy (PMID: 23975875, internal data). Truncating variants in this region have also been identified in individuals affected with autosomal dominant dilated cardiomyopathy and/or cardio-related conditions (PMID: 27869827, 32964742, internal data). In summary, the currently available evidence indicates that the variant is pathogenic, but additional data are needed to prove that conclusively. Therefore, this variant has been classified as Likely Pathogenic.

Victorian Clinical Genetics Services, Murdoch Childrens Research Institute
Classification: Uncertain significance for Hypertrophic cardiomyopathy 9. Last evaluated: 2022-03-31. Review status: criteria provided, single submitter. Criteria: ACMG Guidelines, 2015. Collection method: clinical testing. Allele origin: germline. Inheritance: Autosomal dominant inheritance.
Comment: Based on the classification scheme VCGS_Germline_v1.3.4, this variant is classified as VUS-3B. Following criteria are met: 0102 - Loss of function is known mechanism of disease in this gene. In addition, dominant-negative is also a suggested mechanism (PMID: 25589632). (I) 0108 - This gene is associated with both recessive and dominant disease (OMIM). (I) 0112 - The condition associated with this gene has incomplete penetrance. Variants in this gene that result in a premature truncating codon (PTC) are known to have reduced penetrance in DCM (PMID: 25589632). (I) 0211 - Canonical splice site variant without proven consequence on splicing (no functional evidence available). (SP) 0219 - This variant is non-coding in an alternative transcript. This variant is deep intronic in several transcripts, including the transcript most highly expressed in cardiac muscle (NM_003319), encoding major cardiac muscle isoform N2B (UCSC). (I) 0251 - This variant is heterozygous. (I) 0301 - Variant is absent from gnomAD (both v2 and v3). (SP) 0311 - An alternative nucleotide change at the same canonical splice site is present in gnomAD (v3) (1 heterozygote, 0 homozygotes). (I) 0505 - Abnormal splicing is predicted by in silico tools and affected nucleotide is moderately conserved. (I) 0600 - Variant is located in the annotated C-terminal I-band and the exon has a PSI score of 7 (PMID: 25589632). (I) 0705 - No comparable canonical splice variants have previous evidence for pathogenicity. (I) 0807 - This variant has no previous evidence of pathogenicity. (I) 0905 - No published segregation evidence has been identified for this variant. (I) 1007 - No published functional evidence has been identified for this variant. (I) 1208 - Inheritance information for this variant is not currently available in this individual. (I) Legend: (SP) - Supporting pathogenic, (I) - Information, (SB) - Supporting benign

Revvity Omics, Revvity
Classification: Uncertain significance. Last evaluated: 2020-06-08. Review status: criteria provided, single submitter. Criteria: ACMG Guidelines, 2015. Collection method: clinical testing. Allele origin: germline.

Literature cited by the submitters: PubMed 25589632 (cited by Labcorp Genetics (formerly Invitae), Labcorp and Victorian Clinical Genetics Services, Murdoch Childrens Research Institute); PubMed 23975875 (cited by Labcorp Genetics (formerly Invitae), Labcorp); PubMed 27869827 (cited by Labcorp Genetics (formerly Invitae), Labcorp); PubMed 32964742 (cited by Labcorp Genetics (formerly Invitae), Labcorp).